The following is an entry in ClinVar:

ClinVar aggregate classification (germline): Uncertain significance (1 of 4 stars; one submission).

Submission:

Labcorp Genetics (formerly Invitae), Labcorp
Classification: Uncertain significance. Last evaluated: 2025-02-12. Review status: criteria provided, single submitter. Criteria: Invitae Variant Classification Sherloc (09022015). Collection method: clinical testing. Allele origin: germline.
Comment: This sequence change replaces lysine, which is basic and polar, with arginine, which is basic and polar, at codon 539 of the JAK2 protein (p.Lys539Arg). This variant is not present in population databases (gnomAD no frequency). This variant has not been reported in the literature in individuals affected with JAK2-related conditions. Invitae Evidence Modeling of protein sequence and biophysical properties (such as structural, functional, and spatial information, amino acid conservation, physicochemical variation, residue mobility, and thermodynamic stability) indicates that this missense variant is not expected to disrupt JAK2 protein function with a negative predictive value of 80%. In summary, the available evidence is currently insufficient to determine the role of this variant in disease. Therefore, it has been classified as a Variant of Uncertain Significance.

NM_004972.4(JAK2):c.1616A>G (p.Lys539Arg)

Genes: INSL6 (insulin like 6; minus strand), JAK2 (Janus kinase 2; plus strand). Cytogenetic location: 9p24.1.
Variant type: single nucleotide variant.
Coding change: c.1616A>G on transcript NM_004972.4 (MANE Select); coding-DNA position 1616, A replaced by G.
Protein change: p.Lys539Arg; replaces lysine 539 with arginine.
Molecular consequence: missense variant. On other transcripts: non-coding transcript variant (2).
Genome position (GRCh38, 1-based): chr9:5,070,027, A>G. VCF-style: chr9-5070027-A-G. GRCh37 (hg19) VCF-style: chr9-5070027-A-G.
Other names: c.1616A>G, p.Lys539Arg (NM_001322194.2, NM_001322195.2, NM_001322196.2); c.401A>G, p.Lys134Arg (NM_001322198.2, NM_001322199.2); c.1169A>G, p.Lys390Arg (NM_001322204.2); short protein forms K134R, K390R, K539R.
Identifiers: ClinVar variation 4736993 (VCV004736993.1).